The following is an entry in ClinVar:

NM_015178.3(RHOBTB2):c.1172G>A (p.Arg391Gln)

Gene: RHOBTB2 (Rho related BTB domain containing 2; plus strand). Cytogenetic location: 8p21.3.
Variant type: single nucleotide variant.
Coding change: c.1172G>A on transcript NM_015178.3 (MANE Select); coding-DNA position 1172, G replaced by A.
Protein change: p.Arg391Gln; replaces arginine 391 with glutamine.
Molecular consequence: missense variant.
Genome position (GRCh38, 1-based): chr8:23,007,417, G>A. VCF-style: chr8-23007417-G-A. GRCh37 (hg19) VCF-style: chr8-22864930-G-A.
Other names: c.1238G>A, p.Arg413Gln (NM_001160036.2); c.1193G>A, p.Arg398Gln (NM_001160037.2); c.1172G>A, p.Arg391Gln (NM_001374791.1); short protein forms R413Q, R391Q, R398Q.
Identifiers: ClinVar variation 2795295 (VCV002795295.3), dbSNP rs1811002383, ClinGen allele CA370567600.

ClinVar aggregate classification (germline): Uncertain significance (1 of 4 stars; one submission).

Allele frequency attached by ClinVar (database versions not stated): gnomAD exomes below 0.00001.
gnomAD v4.1: 3 of 1,614,130 alleles (0.00019%); highest among the groups gnomAD compares: South Asian, 0.0011%; no homozygotes.

Submission:

Labcorp Genetics (formerly Invitae), Labcorp
Classification: Uncertain significance. Last evaluated: 2023-05-25. Review status: criteria provided, single submitter. Criteria: Invitae Variant Classification Sherloc (09022015). Collection method: clinical testing. Allele origin: germline.
Comment: In summary, the available evidence is currently insufficient to determine the role of this variant in disease. Therefore, it has been classified as a Variant of Uncertain Significance. Advanced modeling of protein sequence and biophysical properties (such as structural, functional, and spatial information, amino acid conservation, physicochemical variation, residue mobility, and thermodynamic stability) performed at Invitae indicates that this missense variant is not expected to disrupt RHOBTB2 protein function. This variant has not been reported in the literature in individuals affected with RHOBTB2-related conditions. This variant is not present in population databases (gnomAD no frequency). This sequence change replaces arginine, which is basic and polar, with glutamine, which is neutral and polar, at codon 413 of the RHOBTB2 protein (p.Arg413Gln).